The following is an entry in ClinVar:

NM_000059.4(BRCA2):c.426-4_428delinsGTAGAACA

Gene: BRCA2 (BRCA2 DNA repair associated; plus strand). Cytogenetic location: 13q13.1.
Variant type: Indel.
Coding change: c.426-4_428delinsGTAGAACA on transcript NM_000059.4 (MANE Select); 4 bases into the intron before coding-DNA position 426 through coding-DNA position 428, TTAGTCC replaced by GTAGAACA.
Molecular consequence: splice acceptor variant.
Genome position (GRCh38, 1-based): chr13:32,326,097-32,326,103, TTAGTCC replaced by GTAGAACA. VCF-style: chr13-32326097-TTAGTCC-GTAGAACA. GRCh37 (hg19) VCF-style: chr13-32900234-TTAGTCC-GTAGAACA.
Other names: c.426-4_428delinsGTAGAACA (NM_001432077.1, NM_001406720.1, NM_001406719.1 and 1 more transcripts); c.57-4_59delinsGTAGAACA (NM_001406722.1).
Identifiers: ClinVar variation 4867850 (VCV004867850.1).

ClinVar aggregate classification (germline): Likely pathogenic (1 of 4 stars; one submission).

Conditions:
Hereditary cancer-predisposing syndrome. Also called: Neoplastic Syndromes, Hereditary; Tumor predisposition; Hereditary Cancer Syndrome; Hereditary neoplastic syndrome. Identifiers: Orphanet 140162, MedGen C0027672, MeSH D009386, MONDO:0015356.

Submission:

Ambry Genetics
Classification: Likely pathogenic for Hereditary cancer-predisposing syndrome. Last evaluated: 2026-05-18. Review status: criteria provided, single submitter. Criteria: Ambry Variant Classification Scheme 2023. Collection method: clinical testing. Allele origin: germline.
Comment: The c.426-4_428delTTAGTCCinsGTAGAACA variant results from a deletion of 7 nucleotides and insertion of 8 nucleotides at positions c.426-4 to c.428 and involves the canonical splice acceptor site before coding exon 4 of the BRCA2 gene. The canonical splice acceptor site is highly conserved in available vertebrate species. In silico splice site analysis predicts that this alteration will weaken the native splice acceptor site and will result in the creation or strengthening of a novel splice acceptor site; however, the exact impact of this variant on splicing and function is currently unknown. This variant is considered to be rare based on population cohorts in the Genome Aggregation Database (gnomAD). Variants that disrupt the canonical splice site are expected to cause aberrant splicing, resulting in an abnormal protein or a transcript that is subject to nonsense-mediated mRNA decay. As such, this variant is classified as likely pathogenic.